The following is an entry in ClinVar:

NM_020361.5(CPA6):c.20G>A (p.Arg7His)

Gene: CPA6 (carboxypeptidase A6; minus strand). Cytogenetic location: 8q13.2.
Variant type: single nucleotide variant.
Coding change: c.20G>A on transcript NM_020361.5 (MANE Select); coding-DNA position 20, G replaced by A.
Protein change: p.Arg7His; replaces arginine 7 with histidine.
Molecular consequence: missense variant.
Genome position (GRCh38, 1-based): chr8:67,746,110, C>T on the plus strand (G>A on the coding strand, the complement: CPA6 is on the minus strand). VCF-style: chr8-67746110-C-T. GRCh37 (hg19) VCF-style: chr8-68658345-C-T.
Other names: short protein forms R7H.
Identifiers: ClinVar variation 664501 (VCV000664501.13), dbSNP rs373565150, ClinGen allele CA4773117.

ClinVar aggregate classification (germline): Uncertain significance. Review status: criteria provided, multiple submitters, no conflicts (2 of 4 stars). 3 submissions from 3 submitters: Uncertain significance (3). Last evaluated 2024-06-24.

Conditions:
Familial temporal lobe epilepsy 5. Identifiers: MedGen C3280730, MONDO:0013741, OMIM 614417.
Febrile seizures, familial, 11 (FEB11). Also called: CONVULSIONS, FAMILIAL FEBRILE, 11. Identifiers: MedGen C3280734, MONDO:0024566, OMIM 614418.

Allele frequency attached by ClinVar (database versions not stated): ESP Exome Variant Server 0.00008; TOPMed 0.00007.
gnomAD v4.1: 146 of 1,613,202 alleles (0.0091%); highest among the groups gnomAD compares: Non-Finnish European, 0.012%; no homozygotes.

Submissions (3):

Revvity Omics, Revvity
Classification: Uncertain significance. Last evaluated: 2024-06-24. Review status: criteria provided, single submitter. Criteria: ACMG Guidelines, 2015. Collection method: clinical testing. Allele origin: germline.

Labcorp Genetics (formerly Invitae), Labcorp
Classification: Uncertain significance for Febrile seizures, familial, 11. Last evaluated: 2020-06-25. Review status: criteria provided, single submitter. Criteria: Invitae Variant Classification Sherloc (09022015). Collection method: clinical testing. Allele origin: germline.
Comment: In summary, the available evidence is currently insufficient to determine the role of this variant in disease. Therefore, it has been classified as a Variant of Uncertain Significance. Algorithms developed to predict the effect of missense changes on protein structure and function output the following: SIFT: "Tolerated"; PolyPhen-2: "Benign"; Align-GVGD: "Class C0". The histidine amino acid residue is found in multiple mammalian species, suggesting that this missense change does not adversely affect protein function. These predictions have not been confirmed by published functional studies and their clinical significance is uncertain. This variant has not been reported in the literature in individuals with CPA6-related conditions. This variant is present in population databases (rs373565150, ExAC 0.02%), and has an allele count higher than expected for a pathogenic variant (PMID: 28166811). This sequence change replaces arginine with histidine at codon 7 of the CPA6 protein (p.Arg7His). The arginine residue is weakly conserved and there is a small physicochemical difference between arginine and histidine.

Illumina Laboratory Services, Illumina
Classification: Uncertain significance for Familial temporal lobe epilepsy 5. Last evaluated: 2018-01-12. Review status: criteria provided, single submitter. Criteria: ICSL Variant Classification Criteria 13 December 2019. Collection method: clinical testing. Allele origin: germline.

Literature cited by the submitters: PubMed 28166811 (cited by Labcorp Genetics (formerly Invitae), Labcorp).